The following is an entry in ClinVar:

NM_004525.3(LRP2):c.9848A>G (p.Lys3283Arg)

Gene: LRP2 (LDL receptor related protein 2; minus strand). Cytogenetic location: 2q31.1.
Variant type: single nucleotide variant.
Coding change: c.9848A>G on transcript NM_004525.3 (MANE Select); coding-DNA position 9848, A replaced by G.
Protein change: p.Lys3283Arg; replaces lysine 3283 with arginine.
Molecular consequence: missense variant.
Genome position (GRCh38, 1-based): chr2:169,182,317, T>C on the plus strand (A>G on the coding strand, the complement: LRP2 is on the minus strand). VCF-style: chr2-169182317-T-C. GRCh37 (hg19) VCF-style: chr2-170038827-T-C.
Other names: short protein forms K3283R.
Identifiers: ClinVar variation 2009938 (VCV002009938.1), dbSNP rs1165575525, ClinGen allele CA349152148.

ClinVar aggregate classification (germline): Uncertain significance (1 of 4 stars; one submission).

Allele frequency attached by ClinVar (database versions not stated): TOPMed below 0.00001; gnomAD exomes 0.00001.
gnomAD v4.1: 3 of 1,613,608 alleles (0.00019%); highest among the groups gnomAD compares: Non-Finnish European, 0.00025%; no homozygotes.

Submission:

Labcorp Genetics (formerly Invitae), Labcorp
Classification: Uncertain significance. Last evaluated: 2022-09-13. Review status: criteria provided, single submitter. Criteria: Invitae Variant Classification Sherloc (09022015). Collection method: clinical testing. Allele origin: germline.
Comment: This sequence change replaces lysine, which is basic and polar, with arginine, which is basic and polar, at codon 3283 of the LRP2 protein (p.Lys3283Arg). This variant is not present in population databases (gnomAD no frequency). This variant has not been reported in the literature in individuals affected with LRP2-related conditions. Algorithms developed to predict the effect of missense changes on protein structure and function (SIFT, PolyPhen-2, Align-GVGD) all suggest that this variant is likely to be disruptive. Algorithms developed to predict the effect of sequence changes on RNA splicing suggest that this variant may create or strengthen a splice site. In summary, the available evidence is currently insufficient to determine the role of this variant in disease. Therefore, it has been classified as a Variant of Uncertain Significance.